The following is an entry in ClinVar:

ClinVar aggregate classification (germline): Likely benign (1 of 4 stars; one submission).

Allele frequency attached by ClinVar (database versions not stated): gnomAD exomes 0.00021; ExAC 0.00067; ESP Exome Variant Server 0.00147; gnomAD 0.00196; TOPMed 0.00233; 1000 Genomes Project 0.00319; 1000 Genomes Project 30x 0.00359.
gnomAD v4.1: 634 of 1,602,108 alleles (0.04%); highest among the groups gnomAD compares: African/African-American, 0.62%; 3 homozygotes.

Submission:

CeGaT Center for Human Genetics Tuebingen
Classification: Likely benign. Last evaluated: 2022-09-01. Review status: criteria provided, single submitter. Criteria: CeGaT Center For Human Genetics Tuebingen Variant Classification Criteria Version 2. Collection method: clinical testing. Allele origin: germline. Affected: yes. Observed: 1 variant allele.
Comment: GFPT2: BP4, BP7

NM_005110.4(GFPT2):c.102C>T (p.Gly34=)

Gene: GFPT2 (glutamine--fructose-6-phosphate transaminase 2; minus strand). Cytogenetic location: 5q35.3.
Variant type: single nucleotide variant.
Coding change: c.102C>T on transcript NM_005110.4 (MANE Select); coding-DNA position 102, C replaced by T.
Protein change: p.Gly34=; no amino-acid change (glycine 34 retained).
Molecular consequence: synonymous variant.
Genome position (GRCh38, 1-based): chr5:180,338,506, G>A on the plus strand (C>T on the coding strand, the complement: GFPT2 is on the minus strand). VCF-style: chr5-180338506-G-A. GRCh37 (hg19) VCF-style: chr5-179765506-G-A.
Identifiers: ClinVar variation 2656150 (VCV002656150.24), dbSNP rs115140594, ClinGen allele CA3604992.